The following is an entry in ClinVar:

ClinVar aggregate classification (germline): Likely pathogenic (1 of 4 stars; one submission).

Submission:

Clinical Genomics Laboratory, Laboratory for Precision Diagnostics, University of Washington
Classification: Likely pathogenic. Last evaluated: 2025-05-03. Review status: criteria provided, single submitter. Criteria: ACMG/ClinGen CNV Guidelines, 2019. Collection method: clinical testing. Allele origin: unknown. Affected: yes. Observed: 1 variant allele.
Comment: This interstitial deletion is approximately 403 kb in size and affects 11 protein-coding genes, most of which are olfactory receptor genes. The entirety of SPTA1 (OMIM 182860) is deleted. SPTA1 loss-of-function (LOF) variants are associated with hereditary spherocytosis (HS). Some people with HS have biallelic SPTA1 LOF variants and inheritance appears to be autosomal recessive. Other people with HS appear to have only a single SPTA1 LOF variant. Similar deletions appear in both DECIPHER (patient 479906) and ClinVar (VCV000565188.1, VCV001340245.1, VCV000814132.3) and are classified as variants of uncertain significance. No phenotype information is provided in any of these cases. Similar deletions do not appear in databases of copy number variants found in healthy control groups.

Literature cited by the submitters: PubMed 39995895; PubMed 21212007; PubMed 39378964; PubMed 37280519; PubMed 32436265; PubMed 30816434.

GRCh38/hg38 1q23.1(chr1:158520534-158923642)x1

Genes: MNDA (myeloid cell nuclear differentiation antigen; plus strand), OR10X1 (olfactory receptor family 10 subfamily X member 1; minus strand), OR10Z1 (olfactory receptor family 10 subfamily Z member 1; plus strand), OR6K2 (olfactory receptor family 6 subfamily K member 2; minus strand), OR6K3 (olfactory receptor family 6 subfamily K member 3; minus strand) and 9 more. Cytogenetic location: 1q23.1.
Variant type: copy number loss.
Change: copy number 1 (one copy instead of two) of chr1:158,520,534-158,923,642 (403.1 kb, GRCh38 coordinates, 1-based), cytogenetic band 1q23.1.
Identifiers: ClinVar variation 5038291 (VCV005038291.1).